The following is an entry in ClinVar:

NM_000038.6(APC):c.5575A>G (p.Asn1859Asp)

Gene: APC (APC regulator of Wnt signaling pathway; plus strand). Cytogenetic location: 5q22.2.
Variant type: single nucleotide variant.
Coding change: c.5575A>G on transcript NM_000038.6 (MANE Select); coding-DNA position 5575, A replaced by G.
Protein change: p.Asn1859Asp; replaces asparagine 1859 with aspartic acid.
Molecular consequence: missense variant.
Genome position (GRCh38, 1-based): chr5:112,841,169, A>G. VCF-style: chr5-112841169-A-G. GRCh37 (hg19) VCF-style: chr5-112176866-A-G.
Other names: c.5575A>G, p.Asn1859Asp (NM_001127510.3, NM_001354895.2); c.5521A>G, p.Asn1841Asp (NM_001127511.3); c.5629A>G, p.Asn1877Asp (NM_001354896.2); c.5605A>G, p.Asn1869Asp (NM_001354897.2); c.5500A>G, p.Asn1834Asp (NM_001354898.2); c.5491A>G, p.Asn1831Asp (NM_001354899.2); c.5452A>G, p.Asn1818Asp (NM_001354900.2); c.5398A>G, p.Asn1800Asp (NM_001354901.2); and 5 more; short protein forms N1576D, N1699D, N1733D, N1758D, N1768D, N1800D, N1818D, N1831D.
Identifiers: ClinVar variation 1061175 (VCV001061175.10), dbSNP rs2149943653, ClinGen allele CA16033529.
Genomic context (GRCh38, chr5:112,841,169, plus strand): 5'-GCTTTTGATTCACCTCATCATTACACGCCTATTGAAGGAACTCCTTACTGTTTTTCACGA[A>G]ATGATTCTTTGAGTTCTCTAGATTTTGATGATGATGATGTTGACCTTTCCAGGGAAAAGG-3'
Protein context (NP_000029.2, residues 1849-1869): IEGTPYCFSR[Asn1859Asp]DSLSSLDFDD

ClinVar aggregate classification (germline): Uncertain significance (1 of 4 stars; one submission).

Conditions:
Familial adenomatous polyposis 1 (FAP1). Also called: FAMILIAL ADENOMATOUS POLYPOSIS 1, ATTENUATED; POLYPOSIS, ADENOMATOUS INTESTINAL. Identifiers: MedGen C2713442, MONDO:0021056, OMIM 175100. Disease mechanism: loss of function.

Submission:

Labcorp Genetics (formerly Invitae), Labcorp
Classification: Uncertain significance for Familial adenomatous polyposis 1. Last evaluated: 2020-09-10. Review status: criteria provided, single submitter. Criteria: Invitae Variant Classification Sherloc (09022015). Collection method: clinical testing. Allele origin: germline.
Comment: This variant has not been reported in the literature in individuals with APC-related conditions. Algorithms developed to predict the effect of missense changes on protein structure and function are either unavailable or do not agree on the potential impact of this missense change (SIFT: "Tolerated"; PolyPhen-2: "Probably Damaging"; Align-GVGD: "Class C0"). In summary, the available evidence is currently insufficient to determine the role of this variant in disease. Therefore, it has been classified as a Variant of Uncertain Significance. This variant is not present in population databases (ExAC no frequency). This sequence change replaces asparagine with aspartic acid at codon 1859 of the APC protein (p.Asn1859Asp). The asparagine residue is highly conserved and there is a small physicochemical difference between asparagine and aspartic acid.